The following is an entry in ClinVar:

NM_001001957.2(OR2W3):c.166C>T (p.His56Tyr)

Gene: OR2W3 (olfactory receptor family 2 subfamily W member 3; plus strand). Cytogenetic location: 1q44.
Variant type: single nucleotide variant.
Coding change: c.166C>T on transcript NM_001001957.2 (MANE Select); coding-DNA position 166, C replaced by T.
Protein change: p.His56Tyr; replaces histidine 56 with tyrosine.
Molecular consequence: missense variant.
Genome position (GRCh38, 1-based): chr1:247,895,752, C>T. VCF-style: chr1-247895752-C-T. GRCh37 (hg19) VCF-style: chr1-248059054-C-T.
Other names: short protein forms H56Y.
Identifiers: ClinVar variation 2964124 (VCV002964124.4), dbSNP rs1178098241, ClinGen allele CA345591404.
Genomic context (GRCh38, chr1:247,895,752, plus strand): 5'-CTCCTGACCCTCGTAGGCAACACCACCATCATCCTGGTGTCCCGGCTGGACCCCCACCTC[C>T]ACACCCCCATGTACTTCTTCCTCGCCCACCTTTCCTTCCTGGACCTCAGTTTCACCACCA-3'
Protein context (NP_001001957.2, residues 46-66): ILVSRLDPHL[His56Tyr]TPMYFFLAHL

ClinVar aggregate classification (germline): Uncertain significance. Review status: criteria provided, multiple submitters, no conflicts (2 of 4 stars). 2 submissions from 2 submitters: Uncertain significance (2). Last evaluated 2025-11-18.

Allele frequency attached by ClinVar (database versions not stated): gnomAD exomes below 0.00001; TOPMed 0.00009; gnomAD 0.00003.

Submissions (2):

Labcorp Genetics (formerly Invitae), Labcorp
Classification: Uncertain significance. Last evaluated: 2025-11-18. Review status: criteria provided, single submitter. Criteria: Invitae Variant Classification Sherloc (09022015). Collection method: clinical testing. Allele origin: germline.
Comment: This sequence change replaces histidine, which is basic and polar, with tyrosine, which is neutral and polar, at codon 56 of the OR2W3 protein (p.His56Tyr). The frequency data for this variant in the population databases is considered unreliable, as metrics indicate poor data quality at this position in the gnomAD database. This variant has not been reported in the literature in individuals affected with OR2W3-related conditions. ClinVar contains an entry for this variant (Variation ID: 2964124). An algorithm developed to predict the effect of missense changes on protein structure and function (PolyPhen-2) suggests that this variant is likely to be disruptive. In summary, the available evidence is currently insufficient to determine the role of this variant in disease. Therefore, it has been classified as a Variant of Uncertain Significance.

Ambry Genetics
Classification: Uncertain significance. Last evaluated: 2024-09-02. Review status: criteria provided, single submitter. Criteria: Ambry Variant Classification Scheme 2023. Collection method: clinical testing. Allele origin: germline.